The following is an entry in ClinVar:

NM_000717.5(CA4):c.148C>A (p.Arg50Ser)

Gene: CA4 (carbonic anhydrase 4; plus strand). Cytogenetic location: 17q23.1.
Variant type: single nucleotide variant.
Coding change: c.148C>A on transcript NM_000717.5 (MANE Select); coding-DNA position 148, C replaced by A.
Protein change: p.Arg50Ser; replaces arginine 50 with serine.
Molecular consequence: missense variant. On other transcripts: non-coding transcript variant (1).
Genome position (GRCh38, 1-based): chr17:60,156,595, C>A. VCF-style: chr17-60156595-C-A. GRCh37 (hg19) VCF-style: chr17-58233956-C-A.
Other names: c.148C>A (NM_000717.3); short protein forms R50S.
Identifiers: ClinVar variation 937124 (VCV000937124.9), dbSNP rs576319406, ClinGen allele CA8685247.
Genomic context (GRCh38, chr17:60,156,595, plus strand): 5'-CAGCCCACCTTCTCTCCCTGCTCAGTGCCAGTCAAGTGGGGTGGAAACTGCCAGAAGGAC[C>A]GCCAGTCCCCCATCAACATCGTCACCACCAAGGCAAAGGTGGACAAAAAACTGGGACGCT-3'
Protein context (NP_000708.1, residues 40-60): VKWGGNCQKD[Arg50Ser]QSPINIVTTK

ClinVar aggregate classification (germline): Uncertain significance. Review status: criteria provided, multiple submitters, no conflicts (2 of 4 stars). 3 submissions from 3 submitters: Uncertain significance (3). Last evaluated 2025-11-11.

Allele frequency attached by ClinVar (database versions not stated): TOPMed 0.00006.
gnomAD v4.1: 49 of 1,613,980 alleles (0.003%); highest among the groups gnomAD compares: Admixed American, 0.018%; no homozygotes.

Submissions (3):

Labcorp Genetics (formerly Invitae), Labcorp
Classification: Uncertain significance. Last evaluated: 2025-11-11. Review status: criteria provided, single submitter. Criteria: Invitae Variant Classification Sherloc (09022015). Collection method: clinical testing. Allele origin: germline.
Comment: This sequence change replaces arginine, which is basic and polar, with serine, which is neutral and polar, at codon 50 of the CA4 protein (p.Arg50Ser). This variant is present in population databases (rs576319406, gnomAD 0.006%). This variant has not been reported in the literature in individuals affected with CA4-related conditions. ClinVar contains an entry for this variant (Variation ID: 937124). Invitae Evidence Modeling of protein sequence and biophysical properties (such as structural, functional, and spatial information, amino acid conservation, physicochemical variation, residue mobility, and thermodynamic stability) indicates that this missense variant is not expected to disrupt CA4 protein function with a negative predictive value of 80%. In summary, the available evidence is currently insufficient to determine the role of this variant in disease. Therefore, it has been classified as a Variant of Uncertain Significance.

Ambry Genetics
Classification: Uncertain significance. Last evaluated: 2024-12-12. Review status: criteria provided, single submitter. Criteria: Ambry Variant Classification Scheme 2023. Collection method: clinical testing. Allele origin: germline.

Blueprint Genetics
Classification: Uncertain significance. Last evaluated: 2022-11-11. Review status: criteria provided, single submitter. Criteria: ACMG Guidelines, 2015. Collection method: clinical testing. Allele origin: germline.